The following is an entry in ClinVar:

ClinVar aggregate classification (germline): Uncertain significance (1 of 4 stars; one submission).

Conditions:
CHARGE syndrome (CHARGE). Also called: Hittner Hirsch Kreh syndrome; CHARGE ASSOCIATION--COLOBOMA, HEART ANOMALY, CHOANAL ATRESIA, RETARDATION, GENITAL AND EAR ANOMALIES; Coloboma, heart anomaly, choanal atresia, retardation, genital and ear anomalies; CHARGE association; Hall-Hittner syndrome. Identifiers: Orphanet 138, MedGen C0265354, MONDO:0008965.

Submission:

Labcorp Genetics (formerly Invitae), Labcorp
Classification: Uncertain significance for CHARGE syndrome. Last evaluated: 2026-01-28. Review status: criteria provided, single submitter. Criteria: Invitae Variant Classification Sherloc (09022015). Collection method: clinical testing. Allele origin: germline.
Comment: This sequence change falls in intron 9 of the CHD7 gene. It does not directly change the encoded amino acid sequence of the CHD7 protein. This variant is not present in population databases (gnomAD no frequency). This variant has not been reported in the literature in individuals affected with CHD7-related conditions. Algorithms developed to predict the effect of sequence changes on RNA splicing suggest that this variant may disrupt the consensus splice site. In summary, the available evidence is currently insufficient to determine the role of this variant in disease. Therefore, it has been classified as a Variant of Uncertain Significance.

NM_017780.4(CHD7):c.2698-7G>A

Gene: CHD7 (chromodomain helicase DNA binding protein 7; plus strand). Cytogenetic location: 8q12.2.
Variant type: single nucleotide variant.
Coding change: c.2698-7G>A on transcript NM_017780.4 (MANE Select); 7 bases into the intron before coding-DNA position 2698, G replaced by A.
Molecular consequence: intron variant.
Genome position (GRCh38, 1-based): chr8:60,821,783, G>A. VCF-style: chr8-60821783-G-A. GRCh37 (hg19) VCF-style: chr8-61734342-G-A.
Other names: c.1717-40446G>A (NM_001316690.1).
Identifiers: ClinVar variation 4736461 (VCV004736461.1).
Genomic context (GRCh38, chr8:60,821,783, plus strand): 5'-CATATATATGTATATGTATGTATGTGGTCAAATGAATCCAATTCTGATTTATTTAAATCT[G>A]GTCCAGCCTGTGACTCACTATCTGGTGAAGTGGTGTTCACTTCCTTATGAAGACAGCACG-3'